The following is an entry in ClinVar:

ClinVar aggregate classification (germline): Likely pathogenic (1 of 4 stars; one submission).

Conditions:
Plasma factor XI deficiency.

Submission:

Natera, Inc.
Classification: Likely pathogenic for Plasma factor XI deficiency. Last evaluated: 2025-08-28. Review status: criteria provided, single submitter. Criteria: Natera Variant Classification Schema (03/2026). Collection method: clinical testing. Allele origin: germline.
Comment: The c.1029-2A>C variant in F11 is a canonical splice acceptor site variant predicted to affect pre-mRNA splicing, which may result in an abnormal transcript and altered protein product. This variant is expected to result in nonsense mediated decay, truncation, or a dysfunctional protein product. This variant is rare in the general population with a frequency below the threshold expected for the associated phenotype(s). Given the available evidence, this variant is classified as Likely Pathogenic.

NM_000128.4(F11):c.1029-2A>C

Gene: F11 (coagulation factor XI; plus strand). Cytogenetic location: 4q35.2.
Variant type: single nucleotide variant.
Coding change: c.1029-2A>C on transcript NM_000128.4 (MANE Select); the canonical splice acceptor site of the intron before coding-DNA position 1029, A replaced by C.
Molecular consequence: splice acceptor variant.
Genome position (GRCh38, 1-based): chr4:186,280,472, A>C. VCF-style: chr4-186280472-A-C. GRCh37 (hg19) VCF-style: chr4-187201626-A-C.
Other names: c.1029-2A>C (NM_001440593.1); c.981-2A>C (NM_001440590.1, NM_001440596.1); c.759-2A>C (NM_001440605.1, NM_001440607.1); c.711-2A>C (NM_001440606.1, NM_001440608.1).
Identifiers: ClinVar variation 4817480 (VCV004817480.1).
Genomic context (GRCh38, chr4:186,280,472, plus strand): 5'-CACCCTTGTCCCGTCTGCCTGTGAGGTGCATTATGTTTATACCGTTTTGTTTCCAACTGC[A>C]GGGGCAAGTGTTACTTAAAGCTTTCTTCAAACGGATCTCCAACTAAAATACTTCACGGGA-3'